The following is an entry in ClinVar:

NM_000179.3(MSH6):c.243G>T (p.Ala81=)

Gene: MSH6 (mutS homolog 6; plus strand). Cytogenetic location: 2p16.3.
Variant type: single nucleotide variant.
Coding change: c.243G>T on transcript NM_000179.3 (MANE Select); coding-DNA position 243, G replaced by T.
Protein change: p.Ala81=; no amino-acid change (alanine 81 retained).
Molecular consequence: synonymous variant. On other transcripts: 5 prime UTR variant (1), intron variant (1).
Genome position (GRCh38, 1-based): chr2:47,783,476, G>T. VCF-style: chr2-47783476-G-T. GRCh37 (hg19) VCF-style: chr2-48010615-G-T.
Other names: c.-494G>T (NM_001281493.2); c.237+6G>T (NM_001281492.2).
Identifiers: ClinVar variation 389875 (VCV000389875.17), dbSNP rs1057523564, ClinGen allele CA16604285.

ClinVar aggregate classification (germline): Benign/Likely benign. Review status: criteria provided, multiple submitters, no conflicts (2 of 4 stars). 7 submissions from 7 submitters: Benign (1); Likely benign (6). Last evaluated 2025-09-19.

Conditions:
Hereditary nonpolyposis colorectal neoplasms. Identifiers: MedGen C0009405, MeSH D003123.
Lynch syndrome 5 (LYNCH5). Also called: Hereditary non-polyposis colorectal cancer, type 5; Colorectal cancer, hereditary nonpolyposis, type 5. Identifiers: Orphanet 144, MedGen C1833477, MONDO:0013710, OMIM 614350. Disease mechanism: loss of function.
Hereditary cancer-predisposing syndrome. Also called: Hereditary Cancer Syndrome; Hereditary neoplastic syndrome; Neoplastic Syndromes, Hereditary; Tumor predisposition. Identifiers: Orphanet 140162, MedGen C0027672, MeSH D009386, MONDO:0015356.

Submissions (7):

Labcorp Genetics (formerly Invitae), Labcorp
Classification: Likely benign for Hereditary nonpolyposis colorectal neoplasms. Last evaluated: 2025-09-19. Review status: criteria provided, single submitter. Criteria: Invitae Variant Classification Sherloc (09022015). Collection method: clinical testing. Allele origin: germline.

Hereditary Cancer Laboratory, Hospital Universitario 12 de Octubre
Classification: Likely benign for Hereditary cancer-predisposing syndrome. Last evaluated: 2025-01-02. Review status: criteria provided, single submitter. Criteria: ACMG Guidelines, 2015. Collection method: clinical testing. Allele origin: germline.
Comment: PM2+BP4+BP6+BP7

Myriad Genetics, Inc.
Classification: Benign for Lynch syndrome 5. Last evaluated: 2024-12-17. Review status: criteria provided, single submitter. Criteria: Myriad Autosomal Dominant, Autosomal Recessive and X-Linked Classification Criteria (2023). Collection method: clinical testing. Allele origin: unknown.
Comment: This variant is considered benign. This variant is a silent/synonymous amino acid change and it is not expected to impact splicing.

Ambry Genetics
Classification: Likely benign for Hereditary cancer-predisposing syndrome. Last evaluated: 2024-02-09. Review status: criteria provided, single submitter. Criteria: Ambry Variant Classification Scheme 2023. Collection method: clinical testing. Allele origin: germline.

Sema4
Classification: Likely benign for Hereditary cancer-predisposing syndrome. Last evaluated: 2021-04-16. Review status: criteria provided, single submitter. Criteria: Sema4 Curation Guidelines. Collection method: curation. Allele origin: germline.

Color Diagnostics, LLC DBA Color Health
Classification: Likely benign for Hereditary cancer-predisposing syndrome. Last evaluated: 2017-02-26. Review status: criteria provided, single submitter. Criteria: ACMG Guidelines, 2015. Collection method: clinical testing. Allele origin: germline.

GeneDx
Classification: Likely benign. Last evaluated: 2016-10-04. Review status: criteria provided, single submitter. Criteria: GeneDx Variant Classification (06012015). Collection method: clinical testing. Allele origin: germline. Affected: yes.
Comment: This variant is considered likely benign or benign based on one or more of the following criteria: it is a conservative change, it occurs at a poorly conserved position in the protein, it is predicted to be benign by multiple in silico algorithms, and/or has population frequency not consistent with disease.